The following is an entry in ClinVar:

NM_000391.4(TPP1):c.419del (p.His140fs)

Gene: TPP1 (tripeptidyl peptidase 1; minus strand). Cytogenetic location: 11p15.4.
Variant type: Deletion.
Coding change: c.419del on transcript NM_000391.4 (MANE Select); coding-DNA position 419, one base deleted (A; older notation c.419delA).
Protein change: p.His140fs; shifts the reading frame from histidine 140.
Molecular consequence: frameshift variant.
Genome position (GRCh38, 1-based): chr11:6,617,390, T deleted on the plus strand (A on the coding strand, the reverse complement: TPP1 is on the minus strand). VCF-style (leftmost placement, unchanged base first): chr11-6617389-GT-G. GRCh37 (hg19) VCF-style: chr11-6638620-GT-G.
Other names: short protein forms H140fs.
Identifiers: ClinVar variation 2825851 (VCV002825851.3), dbSNP rs2493799970, ClinGen allele CA2739276121.

ClinVar aggregate classification (germline): Pathogenic (1 of 4 stars; one submission).

Submission:

Labcorp Genetics (formerly Invitae), Labcorp
Classification: Pathogenic. Last evaluated: 2023-01-01. Review status: criteria provided, single submitter. Criteria: Invitae Variant Classification Sherloc (09022015). Collection method: clinical testing. Allele origin: germline.
Comment: For these reasons, this variant has been classified as Pathogenic. This variant has not been reported in the literature in individuals affected with TPP1-related conditions. This variant is not present in population databases (gnomAD no frequency). This sequence change creates a premature translational stop signal (p.His140Profs*12) in the TPP1 gene. It is expected to result in an absent or disrupted protein product. Loss-of-function variants in TPP1 are known to be pathogenic (PMID: 10330339).

Literature cited by the submitters: PubMed 10330339.